The following is an entry in ClinVar:

NM_206933.4(USH2A):c.5270A>C (p.Tyr1757Ser)

Genes: USH2A (usherin; minus strand), USH2A-AS2 (USH2A antisense RNA 2; plus strand). Cytogenetic location: 1q41.
Variant type: single nucleotide variant.
Coding change: c.5270A>C on transcript NM_206933.4 (MANE Select); coding-DNA position 5270, A replaced by C.
Protein change: p.Tyr1757Ser; replaces tyrosine 1757 with serine.
Molecular consequence: missense variant.
Genome position (GRCh38, 1-based): chr1:216,083,484, T>G on the plus strand (A>C on the coding strand, the complement: USH2A is on the minus strand). VCF-style: chr1-216083484-T-G. GRCh37 (hg19) VCF-style: chr1-216256826-T-G.
Other names: short protein forms Y1757S.
Identifiers: ClinVar variation 2016122 (VCV002016122.4), dbSNP rs2032017239, ClinGen allele CA344857820.

ClinVar aggregate classification (germline): Uncertain significance (1 of 4 stars; one submission).

gnomAD v4.1: 3 of 1,612,298 alleles (0.00019%); highest among the groups gnomAD compares: Non-Finnish European, 0.00017%; no homozygotes.

Submission:

Labcorp Genetics (formerly Invitae), Labcorp
Classification: Uncertain significance. Last evaluated: 2022-08-01. Review status: criteria provided, single submitter. Criteria: Invitae Variant Classification Sherloc (09022015). Collection method: clinical testing. Allele origin: germline.
Comment: In summary, the available evidence is currently insufficient to determine the role of this variant in disease. Therefore, it has been classified as a Variant of Uncertain Significance. Algorithms developed to predict the effect of missense changes on protein structure and function are either unavailable or do not agree on the potential impact of this missense change (SIFT: "Deleterious"; PolyPhen-2: "Probably Damaging"; Align-GVGD: "Class C15"). This variant has not been reported in the literature in individuals affected with USH2A-related conditions. This variant is not present in population databases (gnomAD no frequency). This sequence change replaces tyrosine, which is neutral and polar, with serine, which is neutral and polar, at codon 1757 of the USH2A protein (p.Tyr1757Ser).